The following is an entry in ClinVar:

NM_001371596.2(MFSD8):c.1103-2del

Gene: MFSD8 (major facilitator superfamily domain containing 8; minus strand). Cytogenetic location: 4q28.2.
Variant type: Deletion.
Coding change: c.1103-2del on transcript NM_001371596.2 (MANE Select); the canonical splice acceptor site of the intron before coding-DNA position 1103, one base deleted (A; older notation c.1103-2delA).
Molecular consequence: splice acceptor variant.
Genome position (GRCh38, 1-based): chr4:127,921,773, T deleted on the plus strand (A on the coding strand, the reverse complement: MFSD8 is on the minus strand). VCF-style (leftmost placement, unchanged base first): chr4-127921772-CT-C. GRCh37 (hg19) VCF-style: chr4-128842927-CT-C.
Other names: c.821-2del (NM_001371595.1); c.653-2del (NM_001410765.1); c.968-2del (NM_001371590.2); c.1103-2del (NM_152778.4, NM_001371591.2); c.788-2del (NM_001363521.3); c.885-2del (NM_001410766.1); c.989-2del (NM_001371593.2); c.902-2del (NM_001363520.3); and 2 more.
Identifiers: ClinVar variation 852257 (VCV000852257.9), dbSNP rs1736369601, ClinGen allele CA916082659.

ClinVar aggregate classification (germline): Likely pathogenic. Review status: criteria provided, multiple submitters, no conflicts (2 of 4 stars). 2 submissions from 2 submitters: Likely pathogenic (2). Last evaluated 2025-03-31.

Conditions:
Neuronal ceroid lipofuscinosis 7 (CLN7). Also called: MFSD8-Related Neuronal Ceroid-Lipofuscinosis. Identifiers: Orphanet 168491, Orphanet 228366, MedGen C1838571, MONDO:0012588, OMIM 610951.
MFSD8-related disorders.

Allele frequency attached by ClinVar (database versions not stated): gnomAD exomes 0.00001.

Submissions (2):

Labcorp Genetics (formerly Invitae), Labcorp
Classification: Likely pathogenic for Neuronal ceroid lipofuscinosis 7. Last evaluated: 2025-03-31. Review status: criteria provided, single submitter. Criteria: Invitae Variant Classification Sherloc (09022015). Collection method: clinical testing. Allele origin: germline.
Comment: This sequence change affects a splice site in intron 11 of the MFSD8 gene. It is expected to disrupt RNA splicing. Variants that disrupt the donor or acceptor splice site typically lead to a loss of protein function (PMID: 16199547), and loss-of-function variants in MFSD8 are known to be pathogenic (PMID: 19177532, 25227500, 28586915). This variant is not present in population databases (gnomAD no frequency). Disruption of this splice site has been observed in individual(s) with neuronal ceroid lipofuscinosis (PMID: 19201763). ClinVar contains an entry for this variant (Variation ID: 852257). Algorithms developed to predict the effect of sequence changes on RNA splicing suggest that this variant may disrupt the consensus splice site. In summary, the currently available evidence indicates that the variant is pathogenic, but additional data are needed to prove that conclusively. Therefore, this variant has been classified as Likely Pathogenic.

Blueprint Genetics
Classification: Likely pathogenic for MFSD8-related disorders. Last evaluated: 2022-10-10. Review status: criteria provided, single submitter. Criteria: ACMG Guidelines, 2015. Collection method: clinical testing. Allele origin: germline. Affected: yes. Observed: 1 variant allele.

Literature cited by the submitters: PubMed 16199547 (cited by Labcorp Genetics (formerly Invitae), Labcorp); PubMed 19177532 (cited by Labcorp Genetics (formerly Invitae), Labcorp); PubMed 25227500 (cited by Labcorp Genetics (formerly Invitae), Labcorp); PubMed 28586915 (cited by Labcorp Genetics (formerly Invitae), Labcorp); PubMed 19201763 (cited by Labcorp Genetics (formerly Invitae), Labcorp).